The following is an entry in ClinVar:

NM_015215.4(CAMTA1):c.4060C>A (p.Arg1354Ser)

Genes: CAMTA1 (calmodulin binding transcription activator 1; plus strand), LOC126805603 (CDK7 strongly-dependent group 2 enhancer GRCh37_chr1:7798026-7799225; plus strand). Cytogenetic location: 1p36.23.
Variant type: single nucleotide variant.
Coding change: c.4060C>A on transcript NM_015215.4 (MANE Select); coding-DNA position 4060, C replaced by A.
Protein change: p.Arg1354Ser; replaces arginine 1354 with serine.
Molecular consequence: missense variant.
Genome position (GRCh38, 1-based): chr1:7,738,360, C>A. VCF-style: chr1-7738360-C-A. GRCh37 (hg19) VCF-style: chr1-7798420-C-A.
Other names: c.4060C>A (NM_015215.2); c.3970C>A, p.Arg1324Ser (NM_001349608.2); c.3721C>A, p.Arg1241Ser (NM_001349609.2, NM_001349610.2, NM_001410737.1); c.3631C>A, p.Arg1211Ser (NM_001349612.2); c.1189C>A, p.Arg397Ser (NM_001349613.1); c.1132C>A, p.Arg378Ser (NM_001349614.1, NM_001349615.2, NM_001349616.2 and 2 more transcripts); c.793C>A, p.Arg265Ser (NM_001349619.2, NM_001349620.1, NM_001349621.1 and 5 more transcripts); c.3649C>A, p.Arg1217Ser (NM_001410738.1); short protein forms R1211S, R1241S, R265S, R378S, R1324S, R397S, R1217S, R1354S.
Identifiers: ClinVar variation 2180386 (VCV002180386.6), dbSNP rs372261959, ClinGen allele CA338134805.

ClinVar aggregate classification (germline): Uncertain significance. Review status: criteria provided, multiple submitters, no conflicts (2 of 4 stars). 2 submissions from 2 submitters: Uncertain significance (2). Last evaluated 2023-07-31.

Conditions:
Inborn genetic diseases. Identifiers: MedGen C0950123, MeSH D030342.

gnomAD v4.1: 2 of 1,614,152 alleles (0.00012%); highest among the groups gnomAD compares: Non-Finnish European, 0.00017%; no homozygotes.

Submissions (2):

Ambry Genetics
Classification: Uncertain significance for Inborn genetic diseases. Last evaluated: 2023-07-31. Review status: criteria provided, single submitter. Criteria: Ambry Variant Classification Scheme 2023. Collection method: clinical testing. Allele origin: germline.

Labcorp Genetics (formerly Invitae), Labcorp
Classification: Uncertain significance. Last evaluated: 2022-02-27. Review status: criteria provided, single submitter. Criteria: Invitae Variant Classification Sherloc (09022015). Collection method: clinical testing. Allele origin: germline.
Comment: In summary, the available evidence is currently insufficient to determine the role of this variant in disease. Therefore, it has been classified as a Variant of Uncertain Significance. Algorithms developed to predict the effect of sequence changes on RNA splicing suggest that this variant may create or strengthen a splice site. Algorithms developed to predict the effect of missense changes on protein structure and function (SIFT, PolyPhen-2, Align-GVGD) all suggest that this variant is likely to be tolerated. This variant has not been reported in the literature in individuals affected with CAMTA1-related conditions. This variant is not present in population databases (gnomAD no frequency). This sequence change replaces arginine, which is basic and polar, with serine, which is neutral and polar, at codon 1354 of the CAMTA1 protein (p.Arg1354Ser).